The following is an entry in ClinVar:

NM_001042492.3(NF1):c.6430G>T (p.Glu2144Ter)

Gene: NF1 (neurofibromin 1; plus strand). Cytogenetic location: 17q11.2.
Variant type: single nucleotide variant.
Coding change: c.6430G>T on transcript NM_001042492.3 (MANE Select); coding-DNA position 6430, G replaced by T.
Protein change: p.Glu2144Ter; replaces glutamic acid 2144 with a stop codon.
Molecular consequence: nonsense.
Genome position (GRCh38, 1-based): chr17:31,337,370, G>T. VCF-style: chr17-31337370-G-T. GRCh37 (hg19) VCF-style: chr17-29664388-G-T.
Other names: c.6367G>T, p.Glu2123Ter (NM_000267.4); short protein forms E2123*, E2144*.
Identifiers: ClinVar variation 561889 (VCV000561889.4), dbSNP rs1567617371, ClinGen allele CA399012991.

ClinVar aggregate classification (germline): Pathogenic. Review status: criteria provided, multiple submitters, no conflicts (2 of 4 stars). 3 submissions from 3 submitters: Pathogenic (3). Last evaluated 2026-07-07.

Conditions:
Cardiovascular phenotype. Identifiers: MedGen CN230736.
Hereditary cancer-predisposing syndrome. Also called: Hereditary Cancer Syndrome; Tumor predisposition; Hereditary neoplastic syndrome; Neoplastic Syndromes, Hereditary. Identifiers: Orphanet 140162, MedGen C0027672, MeSH D009386, MONDO:0015356.
Neurofibromatosis, type 1 (NF1). Also called: Peripheral type neurofibromatosis; Neurofibromatosis, type I; VON RECKLINGHAUSEN DISEASE; NEUROFIBROMATOSIS, TYPE I, SOMATIC. Identifiers: Orphanet 636, MedGen C0027831, MONDO:0018975, OMIM 162200. Disease mechanism: loss of function.

Submissions (3):

Ambry Genetics
Classification: Pathogenic for Cardiovascular phenotype; Hereditary cancer-predisposing syndrome. Last evaluated: 2026-07-07. Review status: criteria provided, single submitter. Criteria: Ambry Variant Classification Scheme 2023. Collection method: clinical testing. Allele origin: germline.
Comment: The p.E2123* pathogenic mutation (also known as c.6367G>T), located in coding exon 42 of the NF1 gene, results from a G to T substitution at nucleotide position 6367. This changes the amino acid from a glutamic acid to a stop codon within coding exon 42. This variant was reported in individual(s) with features consistent with neurofibromatosis type 1 (NF1) (Ambry internal data). This variant is considered to be rare based on population cohorts in the Genome Aggregation Database (gnomAD). This alteration is expected to result in loss of function by premature protein truncation or nonsense-mediated mRNA decay. As such, this alteration is interpreted as a disease-causing mutation.

NHS Central & South Genomic Laboratory Hub
Classification: Pathogenic for Neurofibromatosis type 1. Last evaluated: 2026-02-26. Review status: criteria provided, single submitter. Criteria: ACMG Guidelines, 2015. Collection method: clinical testing. Allele origin: germline. Affected: yes.

GeneDx
Classification: Pathogenic. Last evaluated: 2024-02-27. Review status: criteria provided, single submitter. Criteria: GeneDx Variant Classification Process June 2021. Collection method: clinical testing. Allele origin: germline. Affected: yes.
Comment: Nonsense variant predicted to result in protein truncation or nonsense mediated decay in a gene for which loss of function is a known mechanism of disease; Not observed at significant frequency in large population cohorts (gnomAD); Has not been previously published as pathogenic or benign to our knowledge